The following is an entry in ClinVar:

ClinVar aggregate classification (germline): Conflicting classifications of pathogenicity. Review status: criteria provided, conflicting classifications (1 of 4 stars). 7 submissions from 7 submitters: Uncertain significance (4); Likely benign (2). 1 of the submissions does not count toward it. Last evaluated 2026-04-06.

Conditions:
Cardiovascular phenotype. Identifiers: MedGen CN230736.
Familial long QT syndrome (RWS). Also called: Congenital long QT syndrome; Romano-Ward syndrome; VENTRICULAR FIBRILLATION WITH PROLONGED QT INTERVAL. Identifiers: Orphanet 768, MedGen C1141890, MONDO:0019171.
Long QT syndrome (LQTS). Identifiers: MedGen C0023976, MeSH D008133, MONDO:0002442. Disease mechanism: loss of function. Inheritance: Various modes of inheritance.
Cardiac arrhythmia, ankyrin-B-related. Also called: ANKYRIN-B SYNDROME. Identifiers: Orphanet 101016, Orphanet 768, MedGen C1970119, MONDO:0010958, OMIM 600919.

Allele frequency attached by ClinVar (database versions not stated): ExAC 0.00002; gnomAD 0.00004; gnomAD exomes 0.00003 and 0.00008; ESP Exome Variant Server 0.00015; TOPMed 0.00003.
gnomAD v4.1: 123 of 1,613,980 alleles (0.0076%); highest among the groups gnomAD compares: Non-Finnish European, 0.0097%; no homozygotes.

Submissions (7):

Women's Health and Genetics/Laboratory Corporation of America, LabCorp
Classification: Uncertain significance. Last evaluated: 2026-04-06. Review status: criteria provided, single submitter. Criteria: LabCorp Variant Classification Summary - May 2015. Collection method: clinical testing. Allele origin: germline.
Comment: Variant summary: ANK2 c.11516G>C (p.Ser3839Thr) results in a conservative amino acid change in the encoded protein sequence. Algorithms developed to predict the effect of missense changes on protein structure and function are either unavailable or do not agree on the potential impact of this missense change. The variant allele was found at a frequency of 2.8e-05 in 250796 control chromosomes. The available data on variant occurrences in the general population are insufficient to allow any conclusion about variant significance. c.11516G>C has been observed in an individual affected with Long QT Syndrome without clinical details (Sherman_2005). These report(s) do not provide unequivocal conclusions about association of the variant with Long QT Syndrome. To our knowledge, no experimental evidence demonstrating an impact on protein function has been reported. The following publication have been ascertained in the context of this evaluation (PMID: 16253912). ClinVar contains an entry for this variant (Variation ID: 67601). Based on the evidence outlined above, the variant was classified as uncertain significance.

Labcorp Genetics (formerly Invitae), Labcorp
Classification: Uncertain significance for Long QT syndrome. Last evaluated: 2026-01-19. Review status: criteria provided, single submitter. Criteria: Invitae Variant Classification Sherloc (09022015). Collection method: clinical testing. Allele origin: germline.
Comment: This sequence change replaces serine, which is neutral and polar, with threonine, which is neutral and polar, at codon 3839 of the ANK2 protein (p.Ser3839Thr). This variant is present in population databases (rs148654834, gnomAD 0.004%). This missense change has been observed in individual(s) with long QT syndrome (PMID: 16253912). This variant is also known as S1721T. ClinVar contains an entry for this variant (Variation ID: 67601). Invitae Evidence Modeling of protein sequence and biophysical properties (such as structural, functional, and spatial information, amino acid conservation, physicochemical variation, residue mobility, and thermodynamic stability) indicates that this missense variant is not expected to disrupt ANK2 protein function with a negative predictive value of 80%. In summary, the available evidence is currently insufficient to determine the role of this variant in disease. Therefore, it has been classified as a Variant of Uncertain Significance.

Blueprint Genetics
Classification: Likely benign. Last evaluated: 2024-10-17. Review status: criteria provided, single submitter. Criteria: ACMG Guidelines, 2015. Collection method: clinical testing. Allele origin: germline.

GeneDx
Classification: Uncertain significance. Last evaluated: 2024-05-30. Review status: criteria provided, single submitter. Criteria: GeneDx Variant Classification Process June 2021. Collection method: clinical testing. Allele origin: germline. Affected: yes.
Comment: Reported in one individual from a cohort of patients referred for LQTS genetic testing (described as S1721T due to the use of alternate nomenclature); however, this individual also harbored a pathogenic variant in the KCNJ2 gene and no additional clinical details or segregation studies were reported (PMID: 16253912); In silico analysis indicates that this missense variant does not alter protein structure/function; This variant is associated with the following publications: (PMID: 22581653, 28518168, 32461654, 16253912)

Ambry Genetics
Classification: Likely benign for Cardiovascular phenotype. Last evaluated: 2024-04-19. Review status: criteria provided, single submitter. Criteria: Ambry Variant Classification Scheme 2023. Collection method: clinical testing. Allele origin: germline.

Fulgent Genetics
Classification: Uncertain significance for Cardiac arrhythmia, ankyrin-B-related. Last evaluated: 2022-01-10. Review status: criteria provided, single submitter. Criteria: ACMG Guidelines, 2015. Collection method: clinical testing. Allele origin: unknown.

Cardiovascular Biomedical Research Unit, Royal Brompton & Harefield NHS Foundation Trust
No classification provided. Condition: Familial long QT syndrome. Review status: no classification provided. Collection method: literature only. Allele origin: germline. Not counted in ClinVar's aggregate classification.
Comment: This variant has been reported as associated with Long QT syndrome in the following publications (PMID:16253912). This is a literature report, and does not necessarily reflect the clinical interpretation of the Imperial College / Royal Brompton Cardiovascular Genetics laboratory.

Literature cited by the submitters: PubMed 16253912 (cited by 4 submitters); PubMed 22581653 (cited by Cardiovascular Biomedical Research Unit, Royal Brompton & Harefield NHS Foundation Trust).

NM_001148.6(ANK2):c.11516G>C (p.Ser3839Thr)

Gene: ANK2 (ankyrin 2; plus strand). Cytogenetic location: 4q26.
Variant type: single nucleotide variant.
Coding change: c.11516G>C on transcript NM_001148.6 (MANE Select); coding-DNA position 11516, G replaced by C.
Protein change: p.Ser3839Thr; replaces serine 3839 with threonine.
Molecular consequence: missense variant.
Genome position (GRCh38, 1-based): chr4:113,369,711, G>C. VCF-style: chr4-113369711-G-C. GRCh37 (hg19) VCF-style: chr4-114290867-G-C.
Other names: c.11516G>C (LRG_327t1); c.5234G>C, p.Ser1745Thr (NM_001127493.3); c.5273G>C, p.Ser1758Thr (NM_001354225.2); c.5162G>C, p.Ser1721Thr (NM_001354228.2, NM_001354258.2); c.5240G>C, p.Ser1747Thr (NM_001354230.2); c.5303G>C, p.Ser1768Thr (NM_001354231.2, NM_001354242.2); c.5297G>C, p.Ser1766Thr (NM_001354232.2); c.5258G>C, p.Ser1753Thr (NM_001354235.2, NM_001354246.2, NM_001354265.2); and 36 more; short protein forms S1745T, S3839T, S1659T, S1699T, S1707T, S1732T, S1766T, S1768T.
Identifiers: ClinVar variation 67601 (VCV000067601.16), dbSNP rs148654834, ClinGen allele CA329735.